The following is an entry in ClinVar:

NM_003126.4(SPTA1):c.5433-8del

Gene: SPTA1 (spectrin alpha, erythrocytic 1; minus strand). Cytogenetic location: 1q23.1.
Variant type: Deletion.
Coding change: c.5433-8del on transcript NM_003126.4 (MANE Select); 8 bases into the intron before coding-DNA position 5433, one base deleted (T; older notation c.5433-8delT).
Molecular consequence: intron variant.
Genome position (GRCh38, 1-based): chr1:158,634,683, A deleted on the plus strand (T on the coding strand, the reverse complement: SPTA1 is on the minus strand); the first of 2 consecutive A bases (chr1:158,634,683-158,634,684); deleting either gives the same sequence. VCF-style (leftmost placement, unchanged base first): chr1-158634682-CA-C. GRCh37 (hg19) VCF-style: chr1-158604472-CA-C.
Identifiers: ClinVar variation 2907759 (VCV002907759.4), dbSNP rs771091438, ClinGen allele CA1182290.
Genomic context (GRCh38, chr1:158,634,682, plus strand): 5'-TCAGCATTCTGCATGAATTGCAAGTATTCTAGGGATTCTTCCAACTTAAGTCCTCTATAA[CA>C]AGGTGGCAAGCCCCAGTGAGGATAAGAACAAACTGGTAAGCAGTGGGAGTACAGTGGGGT-3'

ClinVar aggregate classification (germline): Conflicting classifications of pathogenicity. Review status: criteria provided, conflicting classifications (1 of 4 stars). 2 submissions from 2 submitters: Uncertain significance (1); Likely benign (1). Last evaluated 2025-12-02.

Submissions (2):

Labcorp Genetics (formerly Invitae), Labcorp
Classification: Likely benign. Last evaluated: 2025-12-02. Review status: criteria provided, single submitter. Criteria: Invitae Variant Classification Sherloc (09022015). Collection method: clinical testing. Allele origin: germline.

ARUP Laboratories, Molecular Genetics and Genomics, ARUP Laboratories
Classification: Uncertain significance. Last evaluated: 2025-04-30. Review status: criteria provided, single submitter. Criteria: ARUP Molecular Germline Variant Investigation Process 2024. Collection method: clinical testing. Allele origin: germline.
Comment: The SPTA1 c.5433-8del variant (rs771091438), to our knowledge, is not reported in the medical literature but is reported in ClinVar (Variation ID: 2907759). This variant is found in the non-Finnish European population with an allele frequency of 0.01% (19/128476 alleles) in the Genome Aggregation Database (v2.1.1). This is an intronic variant and computational analyses (Alamut Visual Plus v.1.12) predict that this variant may impact splicing by weakening the nearby canonical acceptor splice site. Due to limited information, the clinical significance of this variant is uncertain at this time.